The following is an entry in ClinVar:

NM_001374504.1(TMPRSS6):c.57C>T (p.Gly19=)

Gene: TMPRSS6 (transmembrane serine protease 6; minus strand). Cytogenetic location: 22q12.3.
Variant type: single nucleotide variant.
Coding change: c.57C>T on transcript NM_001374504.1 (MANE Select); coding-DNA position 57, C replaced by T.
Protein change: p.Gly19=; no amino-acid change (glycine 19 retained).
Molecular consequence: synonymous variant.
Genome position (GRCh38, 1-based): chr22:37,103,361, G>A on the plus strand (C>T on the coding strand, the complement: TMPRSS6 is on the minus strand). VCF-style: chr22-37103361-G-A. GRCh37 (hg19) VCF-style: chr22-37499401-G-A.
Other names: p.Gly28=; c.57C>T, p.Gly19= (NM_001289000.2, NM_001289001.2, NM_153609.4); c.84C>T (NM_153609.3).
Identifiers: ClinVar variation 2862851 (VCV002862851.4), dbSNP rs199622201, ClinGen allele CA10216214.

ClinVar aggregate classification (germline): Likely benign. Review status: criteria provided, multiple submitters, no conflicts (2 of 4 stars). 2 submissions from 2 submitters: Likely benign (2). Last evaluated 2025-05-07.

Allele frequency attached by ClinVar (database versions not stated): ExAC 0.00004; gnomAD 0.00009; TOPMed 0.00023; 1000 Genomes Project 0.00040; 1000 Genomes Project 30x 0.00062.
gnomAD v4.1: 56 of 1,614,118 alleles (0.0035%); highest among the groups gnomAD compares: Admixed American, 0.043%; 1 homozygote.

Submissions (2):

Mayo Clinic Laboratories, Mayo Clinic
Classification: Likely benign. Last evaluated: 2025-05-07. Review status: criteria provided, single submitter. Criteria: ACMG Guidelines, 2015. Collection method: clinical testing. Allele origin: germline. Observed: 1 variant allele.
Comment: BP4, BP7

Labcorp Genetics (formerly Invitae), Labcorp
Classification: Likely benign. Last evaluated: 2023-11-19. Review status: criteria provided, single submitter. Criteria: Invitae Variant Classification Sherloc (09022015). Collection method: clinical testing. Allele origin: germline.